The following is an entry in ClinVar:

NM_000038.6(APC):c.646-12G>A

Gene: APC (APC regulator of Wnt signaling pathway; plus strand). Cytogenetic location: 5q22.2.
Variant type: single nucleotide variant.
Coding change: c.646-12G>A on transcript NM_000038.6 (MANE Select); 12 bases into the intron before coding-DNA position 646, G replaced by A.
Molecular consequence: intron variant.
Genome position (GRCh38, 1-based): chr5:112,792,434, G>A. VCF-style: chr5-112792434-G-A. GRCh37 (hg19) VCF-style: chr5-112128131-G-A.
Other names: c.646-12G>A (NM_001354895.2, NM_001127510.3, NM_001354896.2 and 1 more transcripts); c.676-12G>A (NM_001354897.2, NM_001354902.2); c.676-8845G>A (NM_001127511.3); c.571-12G>A (NM_001354898.2, NM_001354904.2); c.-390-12G>A (NM_001354906.2); c.646-8845G>A (NM_001354899.2); c.469-12G>A (NM_001354900.2, NM_001354901.2, NM_001354905.2).
Identifiers: ClinVar variation 2057148 (VCV002057148.5), dbSNP rs2149683931, ClinGen allele CA2580072255.
Genomic context (GRCh38, chr5:112,792,434, plus strand): 5'-GCCATAGTATGATTATTTCTATTAATATTATTAATAAAAACATAACTAATTAGGTTTCTT[G>A]TTTTATTTTAGCGAAGAATAGCCAGAATTCAGCAAATCGAAAAGGACATACTTCGTATAC-3'

ClinVar aggregate classification (germline): Likely benign. Review status: criteria provided, multiple submitters, no conflicts (2 of 4 stars). 2 submissions from 2 submitters: Likely benign (2). Last evaluated 2024-12-18.

Conditions:
Familial adenomatous polyposis 1 (FAP1). Also called: POLYPOSIS, ADENOMATOUS INTESTINAL; FAMILIAL ADENOMATOUS POLYPOSIS 1, ATTENUATED. Identifiers: MedGen C2713442, MONDO:0021056, OMIM 175100. Disease mechanism: loss of function.

Allele frequency attached by ClinVar (database versions not stated): gnomAD exomes below 0.00001.
gnomAD v4.1: 3 of 1,595,572 alleles (0.00019%); highest among the groups gnomAD compares: Non-Finnish European, 0.00026%; no homozygotes.

Submissions (2):

Labcorp Genetics (formerly Invitae), Labcorp
Classification: Likely benign for Familial adenomatous polyposis 1. Last evaluated: 2024-12-18. Review status: criteria provided, single submitter. Criteria: Invitae Variant Classification Sherloc (09022015). Collection method: clinical testing. Allele origin: germline.

Myriad Genetics, Inc.
Classification: Likely benign for Familial adenomatous polyposis 1. Last evaluated: 2024-02-26. Review status: criteria provided, single submitter. Criteria: Myriad Autosomal Dominant, Autosomal Recessive and X-Linked Classification Criteria (2023). Collection method: clinical testing. Allele origin: unknown.
Comment: This variant is considered likely benign. This variant is intronic and is not expected to impact mRNA splicing.